The following is an entry in ClinVar:

NM_006412.4(AGPAT2):c.788C>T (p.Pro263Leu)

Gene: AGPAT2 (1-acylglycerol-3-phosphate O-acyltransferase 2; minus strand). Cytogenetic location: 9q34.3.
Variant type: single nucleotide variant.
Coding change: c.788C>T on transcript NM_006412.4 (MANE Select); coding-DNA position 788, C replaced by T.
Protein change: p.Pro263Leu; replaces proline 263 with leucine.
Molecular consequence: missense variant.
Genome position (GRCh38, 1-based): chr9:136,673,801, G>A on the plus strand (C>T on the coding strand, the complement: AGPAT2 is on the minus strand). VCF-style: chr9-136673801-G-A. GRCh37 (hg19) VCF-style: chr9-139568253-G-A.
Other names: c.692C>T, p.Pro231Leu (NM_001012727.2); short protein forms P263L, P231L.
Identifiers: ClinVar variation 915051 (VCV000915051.6), dbSNP rs17848858, ClinGen allele CA5342816.

ClinVar aggregate classification (germline): Uncertain significance. Review status: criteria provided, multiple submitters, no conflicts (2 of 4 stars). 3 submissions from 3 submitters: Uncertain significance (3). Last evaluated 2022-07-14.

Conditions:
Congenital generalized lipodystrophy type 1 (CGL1). Also called: BRUNZELL SYNDROME, AGPAT2-RELATED; Berardinelli-Seip Congenital Lipodystrophy Type 1. Identifiers: Orphanet 528, Orphanet 696189, MedGen C1720862, MONDO:0012071, OMIM 608594.

Allele frequency attached by ClinVar (database versions not stated): ExAC 0.00001; gnomAD 0.00003 and 0.00004; gnomAD exomes 0.00004 and 0.00007; TOPMed 0.00006; 1000 Genomes Project 30x 0.00016; 1000 Genomes Project 0.00020.
gnomAD v4.1: 114 of 1,606,148 alleles (0.0071%); highest among the groups gnomAD compares: Middle Eastern, 0.089%; no homozygotes.

Submissions (3):

Labcorp Genetics (formerly Invitae), Labcorp
Classification: Uncertain significance. Last evaluated: 2022-07-14. Review status: criteria provided, single submitter. Criteria: Invitae Variant Classification Sherloc (09022015). Collection method: clinical testing. Allele origin: germline.
Comment: This sequence change replaces proline, which is neutral and non-polar, with leucine, which is neutral and non-polar, at codon 263 of the AGPAT2 protein (p.Pro263Leu). This variant is present in population databases (rs17848858, gnomAD 0.008%). This variant has not been reported in the literature in individuals affected with AGPAT2-related conditions. ClinVar contains an entry for this variant (Variation ID: 915051). Algorithms developed to predict the effect of missense changes on protein structure and function output the following: SIFT: "Deleterious"; PolyPhen-2: "Benign"; Align-GVGD: "Class C0". The leucine amino acid residue is found in multiple mammalian species, which suggests that this missense change does not adversely affect protein function. In summary, the available evidence is currently insufficient to determine the role of this variant in disease. Therefore, it has been classified as a Variant of Uncertain Significance.

Fulgent Genetics
Classification: Uncertain significance for Congenital generalized lipodystrophy type 1. Last evaluated: 2021-11-08. Review status: criteria provided, single submitter. Criteria: ACMG Guidelines, 2015. Collection method: clinical testing. Allele origin: unknown.

Illumina Laboratory Services, Illumina
Classification: Uncertain significance for Congenital generalized lipodystrophy type 1. Last evaluated: 2018-01-12. Review status: criteria provided, single submitter. Criteria: ICSL Variant Classification Criteria 13 December 2019. Collection method: clinical testing. Allele origin: germline.